The following is an entry in ClinVar:

NM_012309.5(SHANK2):c.2788G>A (p.Ala930Thr)

Gene: SHANK2 (SH3 and multiple ankyrin repeat domains 2; minus strand). Cytogenetic location: 11q13.3.
Variant type: single nucleotide variant.
Coding change: c.2788G>A on transcript NM_012309.5 (MANE Select); coding-DNA position 2788, G replaced by A.
Protein change: p.Ala930Thr; replaces alanine 930 with threonine.
Molecular consequence: missense variant.
Genome position (GRCh38, 1-based): chr11:70,487,505, C>T on the plus strand (G>A on the coding strand, the complement: SHANK2 is on the minus strand). VCF-style: chr11-70487505-C-T. GRCh37 (hg19) VCF-style: chr11-70333610-C-T.
Other names: c.1651G>A, p.Ala551Thr (NM_001379226.1); c.2908G>A, p.Ala970Thr (NM_001441024.1); c.2737G>A, p.Ala913Thr (NM_001441025.1, NM_001441026.1, NM_001441027.1 and 8 more transcripts); c.2710G>A, p.Ala904Thr (NM_001441035.1, NM_001441036.1, NM_001441037.1); c.2665G>A, p.Ala889Thr (NM_001441038.1); c.1621G>A, p.Ala541Thr (NM_001441040.1); c.1573G>A, p.Ala525Thr (NM_001441041.1); c.1015G>A, p.Ala339Thr (NM_001441042.1); and 6 more; short protein forms A298T, A316T, A325T, A332T, A335T, A339T, A342T, A525T.
Identifiers: ClinVar variation 5039383 (VCV005039383.1).

ClinVar aggregate classification (germline): Likely benign (1 of 4 stars; one submission).

gnomAD v4.1: 33 of 1,613,652 alleles (0.002%); highest among the groups gnomAD compares: African/African-American, 0.008%; no homozygotes.

Submission:

CeGaT Center for Human Genetics Tuebingen
Classification: Likely benign. Last evaluated: 2026-08-01. Review status: criteria provided, single submitter. Criteria: CeGaT Center For Human Genetics Tuebingen Variant Classification Criteria Version 2. Collection method: clinical testing. Allele origin: germline. Affected: yes. Observed: 1 variant allele.
Comment: SHANK2: BP4